The following is an entry in ClinVar:

ClinVar aggregate classification (germline): Uncertain significance. Review status: criteria provided, multiple submitters, no conflicts (2 of 4 stars). 2 submissions from 2 submitters: Uncertain significance (2). Last evaluated 2024-02-06.

Conditions:
LAMB2-related infantile-onset nephrotic syndrome. Also called: Nephrotic Syndrome, type 5; NEPHROTIC SYNDROME, TYPE 5, WITHOUT OCULAR ABNORMALITIES; NEPHROTIC SYNDROME, TYPE 5, WITH OCULAR ABNORMALITIES. Identifiers: Orphanet 306507, MedGen C3280113, MONDO:0013621, OMIM 614199.
Pierson syndrome. Also called: MICROCORIA-CONGENITAL NEPHROTIC SYNDROME. Identifiers: Orphanet 2670, MedGen C1836876, MONDO:0012184, OMIM 609049.
Inborn genetic diseases. Identifiers: MedGen C0950123, MeSH D030342.

Submissions (2):

Labcorp Genetics (formerly Invitae), Labcorp
Classification: Uncertain significance for LAMB2-related infantile-onset nephrotic syndrome; Pierson syndrome. Last evaluated: 2024-02-06. Review status: criteria provided, single submitter. Criteria: Invitae Variant Classification Sherloc (09022015). Collection method: clinical testing. Allele origin: germline.
Comment: This sequence change replaces histidine, which is basic and polar, with arginine, which is basic and polar, at codon 173 of the LAMB2 protein (p.His173Arg). This variant is not present in population databases (gnomAD no frequency). This variant has not been reported in the literature in individuals affected with LAMB2-related conditions. ClinVar contains an entry for this variant (Variation ID: 2544878). Algorithms developed to predict the effect of missense changes on protein structure and function output the following: SIFT: "Not Available"; PolyPhen-2: "Benign"; Align-GVGD: "Not Available". The arginine amino acid residue is found in multiple mammalian species, which suggests that this missense change does not adversely affect protein function. In summary, the available evidence is currently insufficient to determine the role of this variant in disease. Therefore, it has been classified as a Variant of Uncertain Significance.

Ambry Genetics
Classification: Uncertain significance for Inborn genetic diseases. Last evaluated: 2023-05-08. Review status: criteria provided, single submitter. Criteria: Ambry Variant Classification Scheme 2023. Collection method: clinical testing. Allele origin: germline.

NM_002292.4(LAMB2):c.518A>G (p.His173Arg)

Gene: LAMB2 (laminin subunit beta 2; minus strand). Cytogenetic location: 3p21.31.
Variant type: single nucleotide variant.
Coding change: c.518A>G on transcript NM_002292.4 (MANE Select); coding-DNA position 518, A replaced by G.
Protein change: p.His173Arg; replaces histidine 173 with arginine.
Molecular consequence: missense variant.
Genome position (GRCh38, 1-based): chr3:49,131,665, T>C on the plus strand (A>G on the coding strand, the complement: LAMB2 is on the minus strand). VCF-style: chr3-49131665-T-C. GRCh37 (hg19) VCF-style: chr3-49169098-T-C.
Other names: short protein forms H173R.
Identifiers: ClinVar variation 2544878 (VCV002544878.4), dbSNP rs2472558064, ClinGen allele CA352750812.